The following is an entry in ClinVar:

ClinVar aggregate classification (germline): Pathogenic (1 of 4 stars; one submission).

Conditions:
Joubert syndrome 3 (JBTS3). Also called: AHI1-related Ciliopathy. Identifiers: Orphanet 220493, MedGen C1837713, MONDO:0012078, OMIM 608629.

Submission:

Myriad Genetics, Inc.
Classification: Pathogenic for Joubert syndrome 3. Last evaluated: 2025-06-24. Review status: criteria provided, single submitter. Criteria: Myriad Autosomal Dominant, Autosomal Recessive and X-Linked Classification Criteria (2023). Collection method: clinical testing. Allele origin: unknown.
Comment: NM_001134831.1(AHI1):c.175delA(T59Lfs*24) is expected to be pathogenic in the context of Joubert syndrome, AHI1-related. This variant is predicted to lead to an abnormal or absent protein product due to the creation of a premature termination codon in AHI1, a gene where loss-of-function variants are known to be pathogenic. Please note: this variant was assessed in the context of healthy population screening.

NM_001134831.2(AHI1):c.175del (p.Thr59fs)

Gene: AHI1 (Abelson helper integration site 1; minus strand). Cytogenetic location: 6q23.3.
Variant type: Deletion.
Coding change: c.175del on transcript NM_001134831.2 (MANE Select); coding-DNA position 175, one base deleted (A; older notation c.175delA).
Protein change: p.Thr59fs; shifts the reading frame from threonine 59.
Molecular consequence: frameshift variant.
Genome position (GRCh38, 1-based): chr6:135,467,595, T deleted on the plus strand (A on the coding strand, the reverse complement: AHI1 is on the minus strand); the first of 3 consecutive T bases (chr6:135,467,595-135,467,597); deleting any one gives the same sequence. VCF-style (leftmost placement, unchanged base first): chr6-135467594-GT-G. GRCh37 (hg19) VCF-style: chr6-135788732-GT-G.
Other names: c.175del, p.Thr59fs (NM_001134830.2, NM_001134832.2, NM_001350503.2 and 2 more transcripts); short protein forms T59fs.
Identifiers: ClinVar variation 5014637 (VCV005014637.1).